The following is an entry in ClinVar:

NC_000004.11:g.(?_5682977)_(5735172_?)del

Genes: EVC (EvC ciliary complex subunit 1; plus strand), EVC2 (EvC ciliary complex subunit 2; minus strand). Cytogenetic location: 4p16.2.
Variant type: Deletion.
Identifiers: ClinVar variation 1454547 (VCV001454547.4).

ClinVar aggregate classification (germline): Pathogenic (1 of 4 stars; one submission).

Conditions:
Ellis-van Creveld syndrome (EVC). Also called: EVC-Related Ellis-van Creveld Syndrome; EVC2-Related Ellis-van Creveld Syndrome; MESOECTODERMAL DYSPLASIA; Chondroectodermal dysplasia. Identifiers: Orphanet 289, MedGen C0013903, MONDO:0009162, OMIM 225500.
Curry-Hall syndrome (WAD). Also called: WEYERS ACRODENTAL DYSOSTOSIS. Identifiers: Orphanet 952, MedGen C0457013, MONDO:0008673, OMIM 193530.

Submission:

Labcorp Genetics (formerly Invitae), Labcorp
Classification: Pathogenic for Curry-Hall syndrome; Ellis-van Creveld syndrome. Last evaluated: 2021-04-12. Review status: criteria provided, single submitter. Criteria: Invitae Variant Classification Sherloc (09022015). Collection method: clinical testing. Allele origin: germline.
Comment: This variant is a gross deletion of the genomic region encompassing exon(s) 1-7 of the EVC2 gene, which includes the initiator codon. The 5' end of this event is unknown as it extends beyond the assayed region for this gene and therefore may encompass additional genes. The 3' boundary is likely confined to intron 7 of the EVC2 gene. It is expected to result in an absent or disrupted protein product. Loss-of-function variants in EVC2 are known to be pathogenic (PMID: 17024374, 19810119, 19876929). This variant has not been reported in the literature in individuals with EVC2-related conditions. For these reasons, this variant has been classified as Pathogenic.

Literature cited by the submitters: PubMed 17024374; PubMed 19810119; PubMed 19876929.